The following is an entry in ClinVar:

ClinVar aggregate classification (germline): Uncertain significance (1 of 4 stars; one submission).

Submission:

Labcorp Genetics (formerly Invitae), Labcorp
Classification: Uncertain significance. Last evaluated: 2025-10-20. Review status: criteria provided, single submitter. Criteria: Invitae Variant Classification Sherloc (09022015). Collection method: clinical testing. Allele origin: germline.
Comment: This sequence change replaces leucine, which is neutral and non-polar, with valine, which is neutral and non-polar, at codon 1614 of the KIDINS220 protein (p.Leu1614Val). This variant is not present in population databases (gnomAD no frequency). This variant has not been reported in the literature in individuals affected with KIDINS220-related conditions. ClinVar contains an entry for this variant (Variation ID: 3003391). An algorithm developed to predict the effect of missense changes on protein structure and function (PolyPhen-2) suggests that this variant is likely to be disruptive. In summary, the available evidence is currently insufficient to determine the role of this variant in disease. Therefore, it has been classified as a Variant of Uncertain Significance.

NM_020738.4(KIDINS220):c.4840C>G (p.Leu1614Val)

Gene: KIDINS220 (kinase D interacting substrate 220; minus strand). Cytogenetic location: 2p25.1.
Variant type: single nucleotide variant.
Coding change: c.4840C>G on transcript NM_020738.4 (MANE Select); coding-DNA position 4840, C replaced by G.
Protein change: p.Leu1614Val; replaces leucine 1614 with valine.
Molecular consequence: missense variant. On other transcripts: intron variant (6).
Genome position (GRCh38, 1-based): chr2:8,731,196, G>C on the plus strand (C>G on the coding strand, the complement: KIDINS220 is on the minus strand). VCF-style: chr2-8731196-G-C. GRCh37 (hg19) VCF-style: chr2-8871326-G-C.
Other names: c.4843C>G, p.Leu1615Val (NM_001348729.2); c.4786C>G, p.Leu1596Val (NM_001348731.2); c.4783C>G, p.Leu1595Val (NM_001348732.2); c.4672C>G, p.Leu1558Val (NM_001348734.2); c.4669C>G, p.Leu1557Val (NM_001348735.2); c.4543C>G, p.Leu1515Val (NM_001348736.2); c.3882+2248C>G (NM_001348741.2, NM_001348742.2, NM_001348743.2); c.3996+2248C>G (NM_001348738.2); and 1 more; short protein forms L1557V, L1615V, L1558V, L1614V, L1515V, L1595V, L1596V.
Identifiers: ClinVar variation 3003391 (VCV003003391.3), dbSNP rs2527396286, ClinGen allele CA345762708.